The following is an entry in ClinVar:

NM_001004334.4(GPR179):c.4162G>A (p.Gly1388Arg)

Gene: GPR179 (G protein-coupled receptor 179; minus strand). Cytogenetic location: 17q12.
Variant type: single nucleotide variant.
Coding change: c.4162G>A on transcript NM_001004334.4 (MANE Select); coding-DNA position 4162, G replaced by A.
Protein change: p.Gly1388Arg; replaces glycine 1388 with arginine.
Molecular consequence: missense variant.
Genome position (GRCh38, 1-based): chr17:38,329,407, C>T on the plus strand (G>A on the coding strand, the complement: GPR179 is on the minus strand). VCF-style: chr17-38329407-C-T. GRCh37 (hg19) VCF-style: chr17-36485290-C-T.
Other names: short protein forms G1388R.
Identifiers: ClinVar variation 1714330 (VCV001714330.5), dbSNP rs2512159689, ClinGen allele CA398877491.

ClinVar aggregate classification (germline): Uncertain significance (1 of 4 stars; one submission).

Allele frequency attached by ClinVar (database versions not stated): gnomAD exomes 0.00001.

Submission:

Labcorp Genetics (formerly Invitae), Labcorp
Classification: Uncertain significance. Last evaluated: 2022-07-30. Review status: criteria provided, single submitter. Criteria: Invitae Variant Classification Sherloc (09022015). Collection method: clinical testing. Allele origin: germline.
Comment: This sequence change replaces glycine, which is neutral and non-polar, with arginine, which is basic and polar, at codon 1388 of the GPR179 protein (p.Gly1388Arg). This variant is not present in population databases (gnomAD no frequency). This variant has not been reported in the literature in individuals affected with GPR179-related conditions. Algorithms developed to predict the effect of missense changes on protein structure and function output the following: SIFT: "Tolerated"; PolyPhen-2: "Benign"; Align-GVGD: "Class C0". The arginine amino acid residue is found in multiple mammalian species, which suggests that this missense change does not adversely affect protein function. In summary, the available evidence is currently insufficient to determine the role of this variant in disease. Therefore, it has been classified as a Variant of Uncertain Significance.